The following is an entry in ClinVar:

ClinVar aggregate classification (germline): Uncertain significance (1 of 4 stars; one submission).

Conditions:
Singleton-Merten syndrome 1 (SGMRT1). Also called: Widened medullary cavities of bone, aortic calcification, abnormal dentition, and muscular weakness; Syndrome of widened medullary cavities of the metacarpals and phalanges, aortic calcification and abnormal dentition. Identifiers: Orphanet 85191, MedGen C4225427, MONDO:0024535, OMIM 182250.
Aicardi-Goutieres syndrome 7 (AGS7). Identifiers: Orphanet 51, MedGen C3888244, MONDO:0014367, OMIM 615846.

Submission:

Labcorp Genetics (formerly Invitae), Labcorp
Classification: Uncertain significance for Aicardi-Goutieres syndrome 7; Singleton-Merten syndrome 1. Last evaluated: 2024-02-15. Review status: criteria provided, single submitter. Criteria: Invitae Variant Classification Sherloc (09022015). Collection method: clinical testing. Allele origin: germline.
Comment: This sequence change creates a premature translational stop signal (p.Met686Cysfs*2) in the IFIH1 gene. It is expected to result in an absent or disrupted protein product. However, the current clinical and genetic evidence is not sufficient to establish whether loss-of-function variants in IFIH1 cause disease. This variant is not present in population databases (gnomAD no frequency). This variant has not been reported in the literature in individuals affected with IFIH1-related conditions. In summary, the available evidence is currently insufficient to determine the role of this variant in disease. Therefore, it has been classified as a Variant of Uncertain Significance.

NM_022168.4(IFIH1):c.2056del (p.Met686fs)

Gene: IFIH1 (interferon induced with helicase C domain 1; minus strand). Cytogenetic location: 2q24.2.
Variant type: Deletion.
Coding change: c.2056del on transcript NM_022168.4 (MANE Select); coding-DNA position 2056, one base deleted (A; older notation c.2056delA).
Protein change: p.Met686fs; shifts the reading frame from methionine 686.
Molecular consequence: frameshift variant.
Genome position (GRCh38, 1-based): chr2:162,276,935, T deleted on the plus strand (A on the coding strand, the reverse complement: IFIH1 is on the minus strand); the first of 4 consecutive T bases (chr2:162,276,935-162,276,938); deleting any one gives the same sequence. VCF-style (leftmost placement, unchanged base first): chr2-162276934-AT-A. GRCh37 (hg19) VCF-style: chr2-163133444-AT-A.
Other names: short protein forms M686fs.
Identifiers: ClinVar variation 3754668 (VCV003754668.2).